The following is an entry in ClinVar:

NM_152305.3(POGLUT1):c.356T>C (p.Ile119Thr)

Gene: POGLUT1 (protein O-glucosyltransferase 1; plus strand). Cytogenetic location: 3q13.33.
Variant type: single nucleotide variant.
Coding change: c.356T>C on transcript NM_152305.3 (MANE Select); coding-DNA position 356, T replaced by C.
Protein change: p.Ile119Thr; replaces isoleucine 119 with threonine.
Molecular consequence: missense variant. On other transcripts: non-coding transcript variant (1).
Genome position (GRCh38, 1-based): chr3:119,477,348, T>C. VCF-style: chr3-119477348-T-C. GRCh37 (hg19) VCF-style: chr3-119196195-T-C.
Other names: I129T; c.356T>C, p.Ile119Thr (NM_020231.3); short protein forms I119T.
Identifiers: ClinVar variation 1708166 (VCV001708166.6), dbSNP rs2473027227, ClinGen allele CA354040138.
Genomic context (GRCh38, chr3:119,477,348, plus strand): 5'-AATTTATGGTATGTCTGGTTGACAGGTGTAGTGGTGTTGAGCACTTTATTTTGGAAGTGA[T>C]CGGGCGTCTCCCTGACATGGAGATGGTGATCAATGTACGAGATTATCCTCAGGTTCCTAA-3'
Protein context (NP_689518.1, residues 109-129): SGVEHFILEV[Ile119Thr]GRLPDMEMVI

ClinVar aggregate classification (germline): Uncertain significance. Review status: criteria provided, single submitter (1 of 4 stars). 2 submissions from 2 submitters: Uncertain significance (1). 1 of the submissions does not count toward it. Last evaluated 2022-05-28.

Conditions:
Autosomal recessive limb-girdle muscular dystrophy type 2R1 (LGMDR21). Also called: Muscular dystrophy, limb-girdle, type 2z; Autosomal recessive limb-girdle muscular dystrophy type 2Z. Identifiers: Orphanet 480682, MedGen C4310660, MONDO:0014977, OMIM 617232.

Submissions (2):

Labcorp Genetics (formerly Invitae), Labcorp
Classification: Uncertain significance. Last evaluated: 2022-05-28. Review status: criteria provided, single submitter. Criteria: Invitae Variant Classification Sherloc (09022015). Collection method: clinical testing. Allele origin: germline.
Comment: This sequence change replaces isoleucine, which is neutral and non-polar, with threonine, which is neutral and polar, at codon 119 of the POGLUT1 protein (p.Ile119Thr). This variant is not present in population databases (gnomAD no frequency). This variant has not been reported in the literature in individuals affected with POGLUT1-related conditions. Algorithms developed to predict the effect of missense changes on protein structure and function are either unavailable or do not agree on the potential impact of this missense change (SIFT: "Not Available"; PolyPhen-2: "Benign"; Align-GVGD: "Not Available"). In summary, the available evidence is currently insufficient to determine the role of this variant in disease. Therefore, it has been classified as a Variant of Uncertain Significance.

OMIM
Classification: Pathogenic for MUSCULAR DYSTROPHY, LIMB-GIRDLE, AUTOSOMAL RECESSIVE 21. Last evaluated: 2022-10-04. Review status: no assertion criteria provided. Collection method: literature only. Allele origin: germline. Not counted in ClinVar's aggregate classification.

Literature cited by the submitters: PubMed 31897643 (cited by OMIM).